The following is an entry in ClinVar:

ClinVar aggregate classification (germline): Uncertain significance (1 of 4 stars; one submission).

Conditions:
Familial cancer of breast. Also called: hereditary breast carcinoma; BREAST CANCER, FAMILIAL; Hereditary breast cancer. Identifiers: Orphanet 227535, MedGen C0346153, MONDO:0016419, OMIM 114480. Disease mechanism: loss of function.

Submission:

Labcorp Genetics (formerly Invitae), Labcorp
Classification: Uncertain significance for Familial cancer of breast. Last evaluated: 2018-03-23. Review status: criteria provided, single submitter. Criteria: Invitae Variant Classification Sherloc (09022015). Collection method: clinical testing. Allele origin: germline.
Comment: This sequence change replaces lysine with glutamic acid at codon 695 of the PALB2 protein (p.Lys695Glu). The lysine residue is weakly conserved and there is a small physicochemical difference between lysine and glutamic acid. This variant is not present in population databases (ExAC no frequency). This variant has not been reported in the literature in individuals with PALB2-related disease. Algorithms developed to predict the effect of missense changes on protein structure and function output the following: SIFT: "Tolerated"; PolyPhen-2: "Benign"; Align-GVGD: "Class C0". The glutamic acid amino acid residue is found in multiple mammalian species, suggesting that this missense change does not adversely affect protein function. These predictions have not been confirmed by published functional studies and their clinical significance is uncertain. In summary, the available evidence is currently insufficient to determine the role of this variant in disease. Therefore, it has been classified as a Variant of Uncertain Significance.

NM_024675.4(PALB2):c.2083A>G (p.Lys695Glu)

Gene: PALB2 (partner and localizer of BRCA2; minus strand). Cytogenetic location: 16p12.2.
Variant type: single nucleotide variant.
Coding change: c.2083A>G on transcript NM_024675.4 (MANE Select); coding-DNA position 2083, A replaced by G.
Protein change: p.Lys695Glu; replaces lysine 695 with glutamic acid.
Molecular consequence: missense variant.
Genome position (GRCh38, 1-based): chr16:23,630,071, T>C on the plus strand (A>G on the coding strand, the complement: PALB2 is on the minus strand). VCF-style: chr16-23630071-T-C. GRCh37 (hg19) VCF-style: chr16-23641392-T-C.
Other names: short protein forms K695E.
Identifiers: ClinVar variation 577388 (VCV000577388.9), dbSNP rs1567218141, ClinGen allele CA395125849.
Genomic context (GRCh38, chr16:23,630,071, plus strand): 5'-CATCAGGCGCAACCGTATTTAAAGGAGTATAAAGTAATATGGATGAAGAAAGGCCCGTCT[T>C]TGTATGCTGGCTTTGCGAGTTTGGCCTTTTGGGATGTGATTTTCCTGGTAGAACAATAAG-3'
Protein context (NP_078951.2, residues 685-705): KRPNSQSQHT[Lys695Glu]TGLSSSILLY